The following is an entry in ClinVar:

ClinVar aggregate classification (germline): Uncertain significance (1 of 4 stars; one submission).

Conditions:
Severe early-onset pulmonary alveolar proteinosis due to MARS deficiency. Also called: PULMONARY ALVEOLAR PROTEINOSIS, REUNION ISLAND; Interstitial lung and liver disease. Identifiers: Orphanet 440427, MedGen C4225400, MONDO:0014206, OMIM 615486.
Charcot-Marie-Tooth disease axonal type 2U. Also called: CHARCOT-MARIE-TOOTH NEUROPATHY, TYPE 2U; CHARCOT-MARIE-TOOTH DISEASE, AXONAL, AUTOSOMAL DOMINANT, TYPE 2U. Identifiers: Orphanet 397735, MedGen C4084821, MONDO:0014566, OMIM 616280.

Submission:

Labcorp Genetics (formerly Invitae), Labcorp
Classification: Uncertain significance for Charcot-Marie-Tooth disease axonal type 2U; Severe early-onset pulmonary alveolar proteinosis due to MARS deficiency. Last evaluated: 2024-08-29. Review status: criteria provided, single submitter. Criteria: Invitae Variant Classification Sherloc (09022015). Collection method: clinical testing. Allele origin: germline.
Comment: This sequence change creates a premature translational stop signal (p.His793Profs*21) in the MARS gene. It is expected to result in an absent or disrupted protein product. However, the current clinical and genetic evidence is not sufficient to establish whether loss-of-function variants in MARS cause disease. This variant is not present in population databases (gnomAD no frequency). This variant has not been reported in the literature in individuals affected with MARS-related conditions. In summary, the available evidence is currently insufficient to determine the role of this variant in disease. Therefore, it has been classified as a Variant of Uncertain Significance.

NM_004990.4(MARS1):c.2378del (p.His793fs)

Gene: MARS1 (methionyl-tRNA synthetase 1; plus strand). Cytogenetic location: 12q13.3.
Variant type: Deletion.
Coding change: c.2378del on transcript NM_004990.4 (MANE Select); coding-DNA position 2378, one base deleted (A; older notation c.2378delA).
Protein change: p.His793fs; shifts the reading frame from histidine 793.
Molecular consequence: frameshift variant.
Genome position (GRCh38, 1-based): chr12:57,515,323, A deleted. VCF-style (leftmost placement, unchanged base first): chr12-57515322-CA-C. GRCh37 (hg19) VCF-style: chr12-57909105-CA-C.
Other names: short protein forms H793fs.
Identifiers: ClinVar variation 3749862 (VCV003749862.2).
Genomic context (GRCh38, chr12:57,515,322, plus strand): 5'-CTCCCACCTCCAGCCTGCAGTATCCTGCTGACAAACTTCCTGTGTACCTTACCAGCAGGA[CA>C]CCAGATTGGCACAGTAGGTGGAAGAGCCAGCCTCTCTTAAAATTGATACTCTTGCCATGC-3'